The following is an entry in ClinVar:

ClinVar aggregate classification (germline): Benign/Likely benign. Review status: criteria provided, multiple submitters, no conflicts (2 of 4 stars). 5 submissions from 5 submitters: Benign (1); Likely benign (4). Last evaluated 2026-02-01.

Conditions:
Familial adenomatous polyposis 1 (FAP1). Also called: POLYPOSIS, ADENOMATOUS INTESTINAL; FAMILIAL ADENOMATOUS POLYPOSIS 1, ATTENUATED. Identifiers: MedGen C2713442, MONDO:0021056, OMIM 175100. Disease mechanism: loss of function.
Hereditary cancer-predisposing syndrome. Also called: Tumor predisposition; Hereditary neoplastic syndrome; Hereditary Cancer Syndrome; Neoplastic Syndromes, Hereditary. Identifiers: Orphanet 140162, MedGen C0027672, MeSH D009386, MONDO:0015356.

Allele frequency attached by ClinVar (database versions not stated): gnomAD exomes below 0.00001; ExAC 0.00001.
gnomAD v4.1: 1 of 1,614,008 alleles (0.000062%); highest among the groups gnomAD compares: Non-Finnish European, 0.000085%; no homozygotes.

Submissions (5):

Women's Health and Genetics/Laboratory Corporation of America, LabCorp
Classification: Likely benign. Last evaluated: 2026-02-01. Review status: criteria provided, single submitter. Criteria: LabCorp Variant Classification Summary - May 2015. Collection method: clinical testing. Allele origin: germline.

CeGaT Center for Human Genetics Tuebingen
Classification: Likely benign. Last evaluated: 2025-08-01. Review status: criteria provided, single submitter. Criteria: CeGaT Center For Human Genetics Tuebingen Variant Classification Criteria Version 2. Collection method: clinical testing. Allele origin: germline. Affected: yes. Observed: 1 variant allele.
Comment: APC: BP4, BP7

Myriad Genetics, Inc.
Classification: Benign for Familial adenomatous polyposis 1. Last evaluated: 2024-02-29. Review status: criteria provided, single submitter. Criteria: Myriad Autosomal Dominant, Autosomal Recessive and X-Linked Classification Criteria (2023). Collection method: clinical testing. Allele origin: unknown.
Comment: This variant is considered benign. This variant is a silent/synonymous amino acid change and it is not expected to impact splicing.

Labcorp Genetics (formerly Invitae), Labcorp
Classification: Likely benign for Familial adenomatous polyposis 1. Last evaluated: 2020-07-31. Review status: criteria provided, single submitter. Criteria: Invitae Variant Classification Sherloc (09022015). Collection method: clinical testing. Allele origin: germline.

Ambry Genetics
Classification: Likely benign for Hereditary cancer-predisposing syndrome. Last evaluated: 2020-06-10. Review status: criteria provided, single submitter. Criteria: Ambry Variant Classification Scheme 2023. Collection method: clinical testing. Allele origin: germline.

NM_000038.6(APC):c.1104A>G (p.Val368=)

Gene: APC (APC regulator of Wnt signaling pathway; plus strand). Cytogenetic location: 5q22.2.
Variant type: single nucleotide variant.
Coding change: c.1104A>G on transcript NM_000038.6 (MANE Select); coding-DNA position 1104, A replaced by G.
Protein change: p.Val368=; no amino-acid change (valine 368 retained).
Molecular consequence: synonymous variant. On other transcripts: intron variant (4).
Genome position (GRCh38, 1-based): chr5:112,819,136, A>G. VCF-style: chr5-112819136-A-G. GRCh37 (hg19) VCF-style: chr5-112154833-A-G.
Other names: c.1104A>G, p.Val368= (NM_001127510.3, NM_001354895.2, NM_001354896.2); c.1050A>G, p.Val350= (NM_001127511.3); c.1134A>G, p.Val378= (NM_001354897.2); c.1029A>G, p.Val343= (NM_001354898.2); c.1020A>G, p.Val340= (NM_001354899.2); c.927A>G, p.Val309= (NM_001354900.2, NM_001354901.2); c.255A>G, p.Val85= (NM_001354906.2); c.964-133A>G (NM_001354902.2); and 3 more.
Identifiers: ClinVar variation 1118410 (VCV001118410.21), dbSNP rs752507116, ClinGen allele CA026707.